The following is an entry in ClinVar:

ClinVar aggregate classification (germline): Likely benign. Review status: criteria provided, multiple submitters, no conflicts (2 of 4 stars). 2 submissions from 2 submitters: Likely benign (2). Last evaluated 2022-01-18.

Conditions:
Tuberous sclerosis 2 (TSC2). Identifiers: Orphanet 805, MedGen C1860707, MONDO:0013199, OMIM 613254.

Submissions (2):

Labcorp Genetics (formerly Invitae), Labcorp
Classification: Likely benign for Tuberous sclerosis 2. Last evaluated: 2022-01-18. Review status: criteria provided, single submitter. Criteria: Invitae Variant Classification Sherloc (09022015). Collection method: clinical testing. Allele origin: germline.

GeneDx
Classification: Likely benign. Last evaluated: 2018-02-22. Review status: criteria provided, single submitter. Criteria: GeneDx Variant Classification (06012015). Collection method: clinical testing. Allele origin: germline. Affected: yes.
Comment: This variant is considered likely benign or benign based on one or more of the following criteria: it is a conservative change, it occurs at a poorly conserved position in the protein, it is predicted to be benign by multiple in silico algorithms, and/or has population frequency not consistent with disease.

NM_000548.5(TSC2):c.2982C>A (p.Ser994=)

Gene: TSC2 (TSC complex subunit 2; plus strand). Cytogenetic location: 16p13.3.
Variant type: single nucleotide variant.
Coding change: c.2982C>A on transcript NM_000548.5 (MANE Select); coding-DNA position 2982, C replaced by A.
Protein change: p.Ser994=; no amino-acid change (serine 994 retained).
Molecular consequence: synonymous variant.
Genome position (GRCh38, 1-based): chr16:2,079,047, C>A. VCF-style: chr16-2079047-C-A. GRCh37 (hg19) VCF-style: chr16-2129048-C-A.
Other names: c.2850C>A, p.Ser950= (NM_001077183.3, NM_001370404.1); c.2982C>A, p.Ser994= (NM_001114382.3); c.2742C>A, p.Ser914= (NM_001318827.2); c.2706C>A, p.Ser902= (NM_001318829.2); c.2250C>A, p.Ser750= (NM_001318831.2); c.2883C>A, p.Ser961= (NM_001318832.2); c.2853C>A, p.Ser951= (NM_001363528.2, NM_001370405.1, NM_021055.3).
Identifiers: ClinVar variation 515662 (VCV000515662.5), dbSNP rs1555510188, ClinGen allele CA493042700.